The following is an entry in ClinVar:

ClinVar aggregate classification (germline): Likely pathogenic. Review status: criteria provided, multiple submitters, no conflicts (2 of 4 stars). 3 submissions from 3 submitters: Likely pathogenic (3). Last evaluated 2025-05-18.

Conditions:
Intellectual developmental disorder, autosomal dominant 22. Also called: Intellectual disability, autosomal dominant 22. Identifiers: MedGen CN029689, MONDO:0012869, OMIM 612337.

Submissions (3):

Labcorp Genetics (formerly Invitae), Labcorp
Classification: Likely pathogenic. Last evaluated: 2025-05-18. Review status: criteria provided, single submitter. Criteria: Invitae Variant Classification Sherloc (09022015). Collection method: clinical testing. Allele origin: germline.
Comment: This sequence change replaces arginine, which is basic and polar, with cysteine, which is neutral and slightly polar, at codon 436 of the ZBTB18 protein (p.Arg436Cys). This variant is not present in population databases (gnomAD no frequency). This missense change has been observed in individual(s) with global developmental delay and intellectual disability (PMID: 36980980). ClinVar contains an entry for this variant (Variation ID: 1708224). Invitae Evidence Modeling of protein sequence and biophysical properties (such as structural, functional, and spatial information, amino acid conservation, physicochemical variation, residue mobility, and thermodynamic stability) indicates that this missense variant is expected to disrupt ZBTB18 protein function with a positive predictive value of 95%. Experimental studies have shown that this missense change affects ZBTB18 function (PMID: 33608456). This variant disrupts the p.Arg436 amino acid residue in ZBTB18. Other variant(s) that disrupt this residue have been determined to be pathogenic (PMID: 31238879; internal data). This suggests that this residue is clinically significant, and that variants that disrupt this residue are likely to be disease-causing. In summary, the currently available evidence indicates that the variant is pathogenic, but additional data are needed to prove that conclusively. Therefore, this variant has been classified as Likely Pathogenic.

3billion
Classification: Likely pathogenic for Intellectual developmental disorder, autosomal dominant 22. Last evaluated: 2024-06-24. Review status: criteria provided, single submitter. Criteria: ACMG Guidelines, 2015. Collection method: clinical testing. Allele origin: germline. Affected: yes.
Comment: The variant is not observed in the gnomAD v4.0.0 dataset. Predicted Consequence/Location: Missense variant In silico tool predictions suggest damaging effect of the variant on gene or gene product [3Cnet: 0.88 (>=0.6, sensitivity 0.72 and precision 0.9)]. The same nucleotide change resulting in the same amino acid change has been previously reported as pathogenic/likely pathogenic with strong evidence (ClinVar ID: VCV001708224). A different missense change at the same codon (p.Arg436His) has been reported as pathogenic/likely pathogenic with strong evidence (ClinVar ID: VCV000976114 /PMID: 31238879). Therefore, this variant is classified as Likely pathogenic according to the recommendation of ACMG/AMP guideline.

Genetics Laboratory, UDIAT-Centre Diagnòstic, Hospital Universitari Parc Tauli
Classification: Likely pathogenic for Intellectual developmental disorder, autosomal dominant 22. Last evaluated: 2022-10-04. Review status: criteria provided, single submitter. Criteria: Parc Tauli Hospital Assertion Criteria 2021. Collection method: clinical testing. Allele origin: unknown. Inheritance: Autosomal dominant inheritance. Affected: yes.
Comment: PM1;PM2_supporting;PP2;PP3

Literature cited by the submitters: PubMed 36980980 (cited by Labcorp Genetics (formerly Invitae), Labcorp); PubMed 33608456 (cited by Labcorp Genetics (formerly Invitae), Labcorp); PubMed 31238879 (cited by Labcorp Genetics (formerly Invitae), Labcorp and 3billion).

NM_205768.3(ZBTB18):c.1306C>T (p.Arg436Cys)

Gene: ZBTB18 (zinc finger and BTB domain containing 18; plus strand). Cytogenetic location: 1q44.
Variant type: single nucleotide variant.
Coding change: c.1306C>T on transcript NM_205768.3 (MANE Select); coding-DNA position 1306, C replaced by T.
Protein change: p.Arg436Cys; replaces arginine 436 with cysteine.
Molecular consequence: missense variant.
Genome position (GRCh38, 1-based): chr1:244,055,080, C>T. VCF-style: chr1-244055080-C-T. GRCh37 (hg19) VCF-style: chr1-244218382-C-T.
Other names: c.1279C>T, p.Arg427Cys (NM_001278196.2, NM_006352.5); short protein forms R427C, R436C.
Identifiers: ClinVar variation 1708224 (VCV001708224.6), dbSNP rs1698434969, ClinGen allele CA345674826.
Genomic context (GRCh38, chr1:244,055,080, plus strand): 5'-GTCAACGTGCCCACGTGCTCGCTGTGTGGGAAGACTTTCTCTTGCATGTACACCCTCAAG[C>T]GCCACGAGAGGACTCACTCGGGGGAGAAGCCCTACACATGCACCCAGTGCGGCAAGAGCT-3'
Protein context (NP_991331.1, residues 426-446): KTFSCMYTLK[Arg436Cys]HERTHSGEKP